The following is an entry in ClinVar:

ClinVar aggregate classification (germline): Uncertain significance (1 of 4 stars; one submission).

Conditions:
Cardiovascular phenotype. Identifiers: MedGen CN230736.
Hereditary cancer-predisposing syndrome. Also called: Tumor predisposition; Neoplastic Syndromes, Hereditary; Hereditary neoplastic syndrome; Hereditary Cancer Syndrome. Identifiers: Orphanet 140162, MedGen C0027672, MeSH D009386, MONDO:0015356.

gnomAD v4.1: 4 of 1,613,718 alleles (0.00025%); highest among the groups gnomAD compares: South Asian, 0.0011%; no homozygotes.

Submission:

Ambry Genetics
Classification: Uncertain significance for Cardiovascular phenotype; Hereditary cancer-predisposing syndrome. Last evaluated: 2025-08-09. Review status: criteria provided, single submitter. Criteria: Ambry Variant Classification Scheme 2023. Collection method: clinical testing. Allele origin: germline.
Comment: The p.S811P variant (also known as c.2431T>C), located in coding exon 21 of the LZTR1 gene, results from a T to C substitution at nucleotide position 2431. The serine at codon 811 is replaced by proline, an amino acid with similar properties. This amino acid position is conserved. In addition, this alteration is predicted to be tolerated by in silico analysis. Based on the available evidence, the clinical significance of this variant remains unclear.

NM_006767.4(LZTR1):c.2431T>C (p.Ser811Pro)

Gene: LZTR1 (leucine zipper like post translational regulator 1; plus strand). Cytogenetic location: 22q11.21.
Variant type: single nucleotide variant.
Coding change: c.2431T>C on transcript NM_006767.4 (MANE Select); coding-DNA position 2431, T replaced by C.
Protein change: p.Ser811Pro; replaces serine 811 with proline.
Molecular consequence: missense variant.
Genome position (GRCh38, 1-based): chr22:20,997,256, T>C. VCF-style: chr22-20997256-T-C. GRCh37 (hg19) VCF-style: chr22-21351545-T-C.
Other names: short protein forms S811P.
Identifiers: ClinVar variation 4101824 (VCV004101824.1).